The following is an entry in ClinVar:

NM_014989.7(RIMS1):c.2977C>G (p.His993Asp)

Gene: RIMS1 (regulating synaptic membrane exocytosis 1; plus strand). Cytogenetic location: 6q13.
Variant type: single nucleotide variant.
Coding change: c.2977C>G on transcript NM_014989.7 (MANE Select); coding-DNA position 2977, C replaced by G.
Protein change: p.His993Asp; replaces histidine 993 with aspartic acid.
Molecular consequence: missense variant.
Genome position (GRCh38, 1-based): chr6:72,259,035, C>G. VCF-style: chr6-72259035-C-G. GRCh37 (hg19) VCF-style: chr6-72968738-C-G.
Other names: c.1396C>G, p.His466Asp (NM_001168407.2, NM_001350415.2, NM_001350418.2 and 19 more transcripts); c.1399C>G, p.His467Asp (NM_001168408.2, NM_001350414.2, NM_001350416.2 and 15 more transcripts); c.1156C>G, p.His386Asp (NM_001168409.2, NM_001350464.2, NM_001350465.2 and 3 more transcripts); c.1354C>G, p.His452Asp (NM_001168410.2, NM_001350470.2, NM_001350473.2 and 1 more transcripts); c.1327C>G, p.His443Asp (NM_001350421.2, NM_001350430.2, NM_001350437.2 and 2 more transcripts); c.1330C>G, p.His444Asp (NM_001350424.2, NM_001350428.2, NM_001350459.2 and 1 more transcripts); c.1153C>G, p.His385Asp (NM_001350461.2, NM_001350463.2, NM_001350468.2); c.1351C>G, p.His451Asp (NM_001350472.2); short protein forms H385D, H386D, H443D, H444D, H451D, H452D, H466D, H467D.
Identifiers: ClinVar variation 1057366 (VCV001057366.9), dbSNP rs1481729611, ClinGen allele CA364683138.

ClinVar aggregate classification (germline): Uncertain significance. Review status: criteria provided, multiple submitters, no conflicts (2 of 4 stars). 2 submissions from 2 submitters: Uncertain significance (2). Last evaluated 2025-06-08.

Allele frequency attached by ClinVar (database versions not stated): gnomAD 0.00002.

Submissions (2):

Labcorp Genetics (formerly Invitae), Labcorp
Classification: Uncertain significance. Last evaluated: 2025-06-08. Review status: criteria provided, single submitter. Criteria: Invitae Variant Classification Sherloc (09022015). Collection method: clinical testing. Allele origin: germline.
Comment: This sequence change replaces histidine, which is basic and polar, with aspartic acid, which is acidic and polar, at codon 993 of the RIMS1 protein (p.His993Asp). This variant is present in population databases (no rsID available, gnomAD 0.007%). This variant has not been reported in the literature in individuals affected with RIMS1-related conditions. ClinVar contains an entry for this variant (Variation ID: 1057366). An algorithm developed to predict the effect of missense changes on protein structure and function (PolyPhen-2) suggests that this variant is likely to be disruptive. In summary, the available evidence is currently insufficient to determine the role of this variant in disease. Therefore, it has been classified as a Variant of Uncertain Significance.

Blueprint Genetics
Classification: Uncertain significance. Last evaluated: 2021-10-08. Review status: criteria provided, single submitter. Criteria: ACMG Guidelines, 2015. Collection method: clinical testing. Allele origin: germline.